The following is an entry in ClinVar:

NM_182641.4(BPTF):c.6416G>A (p.Arg2139His)

Gene: BPTF (bromodomain PHD finger transcription factor; plus strand). Cytogenetic location: 17q24.2.
Variant type: single nucleotide variant.
Coding change: c.6416G>A on transcript NM_182641.4 (MANE Select); coding-DNA position 6416, G replaced by A.
Protein change: p.Arg2139His; replaces arginine 2139 with histidine.
Molecular consequence: missense variant.
Genome position (GRCh38, 1-based): chr17:67,940,595, G>A. VCF-style: chr17-67940595-G-A. GRCh37 (hg19) VCF-style: chr17-65936711-G-A.
Other names: c.6794G>A, p.Arg2265His (NM_004459.7); c.6416G>A (NM_182641.3); short protein forms R2139H, R2265H.
Identifiers: ClinVar variation 3731396 (VCV003731396.3).

ClinVar aggregate classification (germline): Uncertain significance. Review status: criteria provided, multiple submitters, no conflicts (2 of 4 stars). 3 submissions from 3 submitters: Uncertain significance (3). Last evaluated 2025-04-22.

Conditions:
Inborn genetic diseases. Identifiers: MedGen C0950123, MeSH D030342.
Neurodevelopmental disorder with dysmorphic facies and distal limb anomalies. Identifiers: Orphanet 686482, MedGen C4540327, MONDO:0060596, OMIM 617755.

gnomAD v4.1: 11 of 1,613,868 alleles (0.00068%); highest among the groups gnomAD compares: East Asian, 0.0045%; no homozygotes.

Submissions (3):

Labcorp Genetics (formerly Invitae), Labcorp
Classification: Uncertain significance. Last evaluated: 2025-04-22. Review status: criteria provided, single submitter. Criteria: Invitae Variant Classification Sherloc (09022015). Collection method: clinical testing. Allele origin: germline.
Comment: This sequence change replaces arginine, which is basic and polar, with histidine, which is basic and polar, at codon 2265 of the BPTF protein (p.Arg2265His). This variant is present in population databases (no rsID available, gnomAD 0.0009%). This variant has not been reported in the literature in individuals affected with BPTF-related conditions. ClinVar contains an entry for this variant (Variation ID: 3731396). An algorithm developed to predict the effect of missense changes on protein structure and function (PolyPhen-2) suggests that this variant is likely to be disruptive. In summary, the available evidence is currently insufficient to determine the role of this variant in disease. Therefore, it has been classified as a Variant of Uncertain Significance.

Ambry Genetics
Classification: Uncertain significance for Inborn genetic diseases. Last evaluated: 2025-02-11. Review status: criteria provided, single submitter. Criteria: Ambry Variant Classification Scheme 2023. Collection method: clinical testing. Allele origin: germline.

Neuberg Centre For Genomic Medicine, NCGM
Classification: Uncertain significance for Neurodevelopmental disorder with dysmorphic facies and distal limb anomalies. Last evaluated: 2023-06-22. Review status: criteria provided, single submitter. Criteria: ACMG Guidelines, 2015. Collection method: clinical testing. Allele origin: germline. Inheritance: Autosomal dominant inheritance. Affected: yes.